The following is an entry in ClinVar:

NM_016156.6(MTMR2):c.232T>A (p.Leu78Met)

Gene: MTMR2 (myotubularin related protein 2; minus strand). Cytogenetic location: 11q21.
Variant type: single nucleotide variant.
Coding change: c.232T>A on transcript NM_016156.6 (MANE Select); coding-DNA position 232, T replaced by A.
Protein change: p.Leu78Met; replaces leucine 78 with methionine.
Molecular consequence: missense variant.
Genome position (GRCh38, 1-based): chr11:95,865,631, A>T on the plus strand (T>A on the coding strand, the complement: MTMR2 is on the minus strand). VCF-style: chr11-95865631-A-T. GRCh37 (hg19) VCF-style: chr11-95598795-A-T.
Other names: c.16T>A, p.Leu6Met (NM_001243571.2, NM_201278.3, NM_201281.3); short protein forms L78M, L6M.
Identifiers: ClinVar variation 580034 (VCV000580034.11), dbSNP rs750344055, ClinGen allele CA6240418.

ClinVar aggregate classification (germline): Uncertain significance. Review status: criteria provided, multiple submitters, no conflicts (2 of 4 stars). 2 submissions from 2 submitters: Uncertain significance (2). Last evaluated 2023-10-13.

Conditions:
Charcot-Marie-Tooth disease type 4. Also called: Charcot-Marie-Tooth disease, type IV; Charcot-Marie-Tooth, Type 4. Identifiers: Orphanet 64749, MedGen C4082197, MONDO:0018995.
Inborn genetic diseases. Identifiers: MedGen C0950123, MeSH D030342.

Allele frequency attached by ClinVar (database versions not stated): gnomAD 0.00001; TOPMed 0.00002.
gnomAD v4.1: 39 of 1,613,832 alleles (0.0024%); highest among the groups gnomAD compares: Non-Finnish European, 0.0033%; no homozygotes.

Submissions (2):

Labcorp Genetics (formerly Invitae), Labcorp
Classification: Uncertain significance for Charcot-Marie-Tooth disease type 4. Last evaluated: 2023-10-13. Review status: criteria provided, single submitter. Criteria: Invitae Variant Classification Sherloc (09022015). Collection method: clinical testing. Allele origin: germline.
Comment: This sequence change replaces leucine, which is neutral and non-polar, with methionine, which is neutral and non-polar, at codon 78 of the MTMR2 protein (p.Leu78Met). This variant is present in population databases (rs750344055, gnomAD 0.005%). This variant has not been reported in the literature in individuals affected with MTMR2-related conditions. ClinVar contains an entry for this variant (Variation ID: 580034). Advanced modeling of protein sequence and biophysical properties (such as structural, functional, and spatial information, amino acid conservation, physicochemical variation, residue mobility, and thermodynamic stability) performed at Invitae indicates that this missense variant is not expected to disrupt MTMR2 protein function. In summary, the available evidence is currently insufficient to determine the role of this variant in disease. Therefore, it has been classified as a Variant of Uncertain Significance.

Ambry Genetics
Classification: Uncertain significance for Inborn genetic diseases. Last evaluated: 2022-04-12. Review status: criteria provided, single submitter. Criteria: Ambry Variant Classification Scheme 2023. Collection method: clinical testing. Allele origin: germline.